The following is an entry in ClinVar:

NM_005085.4(NUP214):c.992G>A (p.Arg331Gln)

Gene: NUP214 (nucleoporin 214; plus strand). Cytogenetic location: 9q34.13.
Variant type: single nucleotide variant.
Coding change: c.992G>A on transcript NM_005085.4 (MANE Select); coding-DNA position 992, G replaced by A.
Protein change: p.Arg331Gln; replaces arginine 331 with glutamine.
Molecular consequence: missense variant.
Genome position (GRCh38, 1-based): chr9:131,135,993, G>A. VCF-style: chr9-131135993-G-A. GRCh37 (hg19) VCF-style: chr9-134011380-G-A.
Other names: c.992G>A, p.Arg331Gln (NM_001318324.2); c.992G>A (NM_005085.2); short protein forms R331Q.
Identifiers: ClinVar variation 3900513 (VCV003900513.2).

ClinVar aggregate classification (germline): Uncertain significance. Review status: criteria provided, multiple submitters, no conflicts (2 of 4 stars). 2 submissions from 2 submitters: Uncertain significance (2). Last evaluated 2025-11-20.

gnomAD v4.1: 15 of 1,612,876 alleles (0.00093%); highest among the groups gnomAD compares: African/African-American, 0.0013%; no homozygotes.

Submissions (2):

Ambry Genetics
Classification: Uncertain significance. Last evaluated: 2025-11-20. Review status: criteria provided, single submitter. Criteria: Ambry Variant Classification Scheme 2023. Collection method: clinical testing. Allele origin: germline.

GeneDx
Classification: Uncertain significance. Last evaluated: 2024-11-23. Review status: criteria provided, single submitter. Criteria: GeneDx Variant Classification Process June 2021. Collection method: clinical testing. Allele origin: germline. Affected: yes.
Comment: In silico analysis indicates that this missense variant does not alter protein structure/function; Has not been previously published as pathogenic or benign to our knowledge